The following is an entry in ClinVar:

NM_001036.6(RYR3):c.4858G>A (p.Glu1620Lys)

Gene: RYR3 (ryanodine receptor 3; plus strand). Cytogenetic location: 15q14.
Variant type: single nucleotide variant.
Coding change: c.4858G>A on transcript NM_001036.6 (MANE Select); coding-DNA position 4858, G replaced by A.
Protein change: p.Glu1620Lys; replaces glutamic acid 1620 with lysine.
Molecular consequence: missense variant.
Genome position (GRCh38, 1-based): chr15:33,662,388, G>A. VCF-style: chr15-33662388-G-A. GRCh37 (hg19) VCF-style: chr15-33954589-G-A.
Other names: c.4858G>A, p.Glu1620Lys (NM_001243996.4); short protein forms E1620K.
Identifiers: ClinVar variation 1026779 (VCV001026779.10), dbSNP rs1596032965, ClinGen allele CA391569916.

ClinVar aggregate classification (germline): Uncertain significance (1 of 4 stars; one submission).

Conditions:
Epileptic encephalopathy. Identifiers: MedGen C0543888, HP:0200134.

Allele frequency attached by ClinVar (database versions not stated): gnomAD exomes 0.00001.
gnomAD v4.1: 3 of 1,613,620 alleles (0.00019%); highest among the groups gnomAD compares: Non-Finnish European, 0.00025%; no homozygotes.

Submission:

Labcorp Genetics (formerly Invitae), Labcorp
Classification: Uncertain significance for Epileptic encephalopathy. Last evaluated: 2025-08-21. Review status: criteria provided, single submitter. Criteria: Invitae Variant Classification Sherloc (09022015). Collection method: clinical testing. Allele origin: germline.
Comment: This sequence change replaces glutamic acid, which is acidic and polar, with lysine, which is basic and polar, at codon 1620 of the RYR3 protein (p.Glu1620Lys). This variant is not present in population databases (gnomAD no frequency). This variant has not been reported in the literature in individuals affected with RYR3-related conditions. ClinVar contains an entry for this variant (Variation ID: 1026779). Invitae Evidence Modeling of protein sequence and biophysical properties (such as structural, functional, and spatial information, amino acid conservation, physicochemical variation, residue mobility, and thermodynamic stability) indicates that this missense variant is not expected to disrupt RYR3 protein function with a negative predictive value of 80%. In summary, the available evidence is currently insufficient to determine the role of this variant in disease. Therefore, it has been classified as a Variant of Uncertain Significance.